The following is an entry in ClinVar:

ClinVar aggregate classification (germline): Benign. Review status: criteria provided, multiple submitters, no conflicts (2 of 4 stars). 3 submissions from 3 submitters: Benign (3). Last evaluated 2021-09-05.

Conditions:
Autosomal recessive nonsyndromic hearing loss 22. Identifiers: Orphanet 90636, MedGen C1846896, MONDO:0011762, OMIM 607039.

Allele frequency attached by ClinVar (database versions not stated): gnomAD exomes 0.10980 and 0.15280; ExAC 0.15268; ESP Exome Variant Server 0.18425; gnomAD 0.19091 and 0.19188; TOPMed 0.21273; 1000 Genomes Project 30x 0.24344; 1000 Genomes Project 0.24441.
gnomAD v4.1: 189,972 of 1,606,776 alleles (12%); highest among the groups gnomAD compares: African/African-American, 39%; 17,445 homozygotes.

Submissions (3):

Genome-Nilou Lab
Classification: Benign for Autosomal recessive nonsyndromic hearing loss 22. Last evaluated: 2021-09-05. Review status: criteria provided, single submitter. Criteria: ACMG Guidelines, 2015. Collection method: clinical testing. Allele origin: germline. Affected: no.

GeneDx
Classification: Benign. Last evaluated: 2018-06-13. Review status: criteria provided, single submitter. Criteria: GeneDx Variant Classification (06012015). Collection method: clinical testing. Allele origin: germline. Affected: yes.
Comment: This variant is considered likely benign or benign based on one or more of the following criteria: it is a conservative change, it occurs at a poorly conserved position in the protein, it is predicted to be benign by multiple in silico algorithms, and/or has population frequency not consistent with disease.

Breakthrough Genomics
Classification: Benign. Review status: criteria provided, single submitter. Criteria: ACMG Guidelines, 2015. Collection method: not provided. Allele origin: germline. Inheritance: Autosomal recessive inheritance. Affected: yes.

NM_144672.4(OTOA):c.179+27G>A

Gene: OTOA (otoancorin). Cytogenetic location: 16p12.2.
Variant type: single nucleotide variant.
Coding change: c.179+27G>A on transcript NM_144672.4 (MANE Select); 27 bases into the intron after coding-DNA position 179, G replaced by A.
Molecular consequence: intron variant.
Genome position (GRCh38, 1-based): chr16:21,679,238, G>A. VCF-style: chr16-21679238-G-A. GRCh37 (hg19) VCF-style: chr16-21690559-G-A.
Identifiers: ClinVar variation 682739 (VCV000682739.4), dbSNP rs12445216, ClinGen allele CA7952213.